The following is an entry in ClinVar:

ClinVar aggregate classification (germline): Uncertain significance (1 of 4 stars; one submission).

Conditions:
Hypertrophic cardiomyopathy. Also called: HYPERTROPHIC MYOCARDIOPATHY. Identifiers: Orphanet 217569, MedGen C0007194, MeSH D002312, MONDO:0005045, HP:0001639.

Submission:

Labcorp Genetics (formerly Invitae), Labcorp
Classification: Uncertain significance for Hypertrophic cardiomyopathy. Last evaluated: 2019-05-03. Review status: criteria provided, single submitter. Criteria: Invitae Variant Classification Sherloc (09022015). Collection method: clinical testing. Allele origin: germline.
Comment: Algorithms developed to predict the effect of missense changes on protein structure and function (SIFT, PolyPhen-2, Align-GVGD) all suggest that this variant is likely to be disruptive, but these predictions have not been confirmed by published functional studies and their clinical significance is uncertain. In summary, the available evidence is currently insufficient to determine the role of this variant in disease. Therefore, it has been classified as a Variant of Uncertain Significance. This variant has not been reported in the literature in individuals with MYOZ2-related conditions. This variant is not present in population databases (ExAC no frequency). This sequence change replaces asparagine with lysine at codon 52 of the MYOZ2 protein (p.Asn52Lys). The asparagine residue is highly conserved and there is a moderate physicochemical difference between asparagine and lysine.

NM_016599.5(MYOZ2):c.156C>A (p.Asn52Lys)

Gene: MYOZ2 (myozenin 2; plus strand). Cytogenetic location: 4q26.
Variant type: single nucleotide variant.
Coding change: c.156C>A on transcript NM_016599.5 (MANE Select); coding-DNA position 156, C replaced by A.
Protein change: p.Asn52Lys; replaces asparagine 52 with lysine.
Molecular consequence: missense variant.
Genome position (GRCh38, 1-based): chr4:119,150,951, C>A. VCF-style: chr4-119150951-C-A. GRCh37 (hg19) VCF-style: chr4-120072106-C-A.
Other names: short protein forms N52K.
Identifiers: ClinVar variation 859838 (VCV000859838.6), dbSNP rs1578729969, ClinGen allele CA358203561.